The following is an entry in ClinVar:

ClinVar aggregate classification (germline): Uncertain significance (1 of 4 stars; one submission).

Conditions:
Early Myoclonic Encephalopathy. Identifiers: MedGen C0270855.

Allele frequency attached by ClinVar (database versions not stated): gnomAD exomes below 0.00001; gnomAD 0.00001; TOPMed 0.00001; ExAC 0.00003; ESP Exome Variant Server 0.00009.
gnomAD v4.1: 4 of 1,613,696 alleles (0.00025%); highest among the groups gnomAD compares: Non-Finnish European, 0.00025%; no homozygotes.

Submission:

Labcorp Genetics (formerly Invitae), Labcorp
Classification: Uncertain significance for Early Myoclonic Encephalopathy. Last evaluated: 2022-10-04. Review status: criteria provided, single submitter. Criteria: Invitae Variant Classification Sherloc (09022015). Collection method: clinical testing. Allele origin: germline.
Comment: In summary, the available evidence is currently insufficient to determine the role of this variant in disease. Therefore, it has been classified as a Variant of Uncertain Significance. Advanced modeling of protein sequence and biophysical properties (such as structural, functional, and spatial information, amino acid conservation, physicochemical variation, residue mobility, and thermodynamic stability) performed at Invitae indicates that this missense variant is not expected to disrupt JMJD1C protein function. This variant has not been reported in the literature in individuals affected with JMJD1C-related conditions. This variant is present in population databases (rs369080397, gnomAD 0.002%). This sequence change replaces asparagine, which is neutral and polar, with serine, which is neutral and polar, at codon 429 of the JMJD1C protein (p.Asn429Ser).

NM_032776.3(JMJD1C):c.1286A>G (p.Asn429Ser)

Gene: JMJD1C (jumonji domain containing 1C; minus strand). Cytogenetic location: 10q21.3.
Variant type: single nucleotide variant.
Coding change: c.1286A>G on transcript NM_032776.3 (MANE Select); coding-DNA position 1286, A replaced by G.
Protein change: p.Asn429Ser; replaces asparagine 429 with serine.
Molecular consequence: missense variant. On other transcripts: non-coding transcript variant (1).
Genome position (GRCh38, 1-based): chr10:63,214,881, T>C on the plus strand (A>G on the coding strand, the complement: JMJD1C is on the minus strand). VCF-style: chr10-63214881-T-C. GRCh37 (hg19) VCF-style: chr10-64974641-T-C.
Other names: c.740A>G, p.Asn247Ser (NM_001282948.2, NM_001318154.2); c.422A>G, p.Asn141Ser (NM_001318153.2); c.1172A>G, p.Asn391Ser (NM_001322252.2); c.629A>G, p.Asn210Ser (NM_001322254.2, NM_001322258.2); short protein forms N429S, N141S, N210S, N391S, N247S.
Identifiers: ClinVar variation 1953592 (VCV001953592.5), dbSNP rs369080397, ClinGen allele CA5518834.